The following is an entry in ClinVar:

NM_014712.3(SETD1A):c.3680G>A (p.Arg1227Gln)

Gene: SETD1A (SET domain containing 1A, histone lysine methyltransferase; plus strand). Cytogenetic location: 16p11.2.
Variant type: single nucleotide variant.
Coding change: c.3680G>A on transcript NM_014712.3 (MANE Select); coding-DNA position 3680, G replaced by A.
Protein change: p.Arg1227Gln; replaces arginine 1227 with glutamine.
Molecular consequence: missense variant.
Genome position (GRCh38, 1-based): chr16:30,979,466, G>A. VCF-style: chr16-30979466-G-A. GRCh37 (hg19) VCF-style: chr16-30990787-G-A.
Other names: c.3680G>A (NM_014712.1); short protein forms R1227Q.
Identifiers: ClinVar variation 1342416 (VCV001342416.2), dbSNP rs368496044, ClinGen allele CA8017348.
Genomic context (GRCh38, chr16:30,979,466, plus strand): 5'-TCCGCAACCTGCCCCTGGACCACGCATCTCTGGTCAAGAGTTGGCCCGAGGAGGTGTCCC[G>A]AGGAGGCCGGAGCCGGGCTGGAGGCCGAGGCCGCCTCACCGAGGAAGAGGAGGCTGAGCC-3'
Protein context (NP_055527.1, residues 1217-1237): LVKSWPEEVS[Arg1227Gln]GGRSRAGGRG

ClinVar aggregate classification (germline): Conflicting classifications of pathogenicity. Review status: criteria provided, conflicting classifications (1 of 4 stars). 2 submissions from 2 submitters: Uncertain significance (1); Likely benign (1). Last evaluated 2025-02-08.

Conditions:
Epilepsy, early-onset, with or without developmental delay. Identifiers: MedGen C5882670, MONDO:0030005, OMIM 618832.
Inborn genetic diseases. Identifiers: MedGen C0950123, MeSH D030342.

Allele frequency attached by ClinVar (database versions not stated): gnomAD 0.00007; ESP Exome Variant Server 0.00008; TOPMed 0.00009.

Submissions (2):

Ambry Genetics
Classification: Likely benign for Inborn genetic diseases. Last evaluated: 2025-02-08. Review status: criteria provided, single submitter. Criteria: Ambry Variant Classification Scheme 2023. Collection method: clinical testing. Allele origin: germline.

New York Genome Center
Classification: Uncertain significance for Epilepsy, early-onset, with or without developmental delay. Last evaluated: 2021-03-12. Review status: criteria provided, single submitter. Criteria: NYGC Assertion Criteria 2020. Collection method: clinical testing. Allele origin: inherited. Observed: 1 heterozygote. Study: CSER-NYCKidSeq.
Comment: The inherited heterozygous c.3680G>A (p.Arg1227Gln) variant identified in the SETD1A gene has not been reported in affected individuals in the literature. The variant has 0.00007227 allele frequency in the gnomAD(v3) database (11 out of 152216 heterozygous alleles, no homozygotes)suggesting it is not a common benign variant in the populations represented in that database. In silico tools provide conflicting predictions about potential pathogenicity of this variant [REVEL score = 0.296, CADD score= 22.4]. Based on the available evidence, the inherited heterozygous c.3680G>A (p.Arg1227Gln) variant identified in the SETD1A gene is reported as a variant of uncertain significance.